The following is an entry in ClinVar:

ClinVar aggregate classification (germline): Uncertain significance (1 of 4 stars; one submission).

gnomAD v4.1: 1 of 1,613,970 alleles (0.000062%); highest among the groups gnomAD compares: South Asian, 0.0011%; no homozygotes.

Submission:

Labcorp Genetics (formerly Invitae), Labcorp
Classification: Uncertain significance. Last evaluated: 2025-02-06. Review status: criteria provided, single submitter. Criteria: Invitae Variant Classification Sherloc (09022015). Collection method: clinical testing. Allele origin: germline.
Comment: This sequence change replaces tryptophan, which is neutral and slightly polar, with serine, which is neutral and polar, at codon 328 of the CYP51A1 protein (p.Trp328Ser). This variant is not present in population databases (gnomAD no frequency). This variant has not been reported in the literature in individuals affected with CYP51A1-related conditions. An algorithm developed to predict the effect of missense changes on protein structure and function (PolyPhen-2) suggests that this variant is likely to be disruptive. In summary, the available evidence is currently insufficient to determine the role of this variant in disease. Therefore, it has been classified as a Variant of Uncertain Significance.

NM_000786.4(CYP51A1):c.983G>C (p.Trp328Ser)

Gene: CYP51A1 (cytochrome P450 family 51 subfamily A member 1; minus strand). Cytogenetic location: 7q21.2.
Variant type: single nucleotide variant.
Coding change: c.983G>C on transcript NM_000786.4 (MANE Select); coding-DNA position 983, G replaced by C.
Protein change: p.Trp328Ser; replaces tryptophan 328 with serine.
Molecular consequence: missense variant.
Genome position (GRCh38, 1-based): chr7:92,123,223, C>G on the plus strand (G>C on the coding strand, the complement: CYP51A1 is on the minus strand). VCF-style: chr7-92123223-C-G. GRCh37 (hg19) VCF-style: chr7-91752537-C-G.
Other names: c.668G>C, p.Trp223Ser (NM_001146152.2); short protein forms W223S, W328S.
Identifiers: ClinVar variation 3698404 (VCV003698404.2).